The following is an entry in ClinVar:

NM_006899.5(IDH3B):c.768+2T>G

Gene: IDH3B (isocitrate dehydrogenase (NAD(+)) 3 non-catalytic subunit beta; minus strand). Cytogenetic location: 20p13.
Variant type: single nucleotide variant.
Coding change: c.768+2T>G on transcript NM_006899.5 (MANE Select); the canonical splice donor site of the intron after coding-DNA position 768, T replaced by G.
Molecular consequence: splice donor variant.
Genome position (GRCh38, 1-based): chr20:2,660,261, A>C on the plus strand (T>G on the coding strand, the complement: IDH3B is on the minus strand). VCF-style: chr20-2660261-A-C. GRCh37 (hg19) VCF-style: chr20-2640907-A-C.
Other names: c.768+2T>G (NM_174855.4, NM_001330763.2, NM_001258384.3).
Identifiers: ClinVar variation 1512058 (VCV001512058.8), dbSNP rs1374351136, ClinGen allele CA408036008.
Genomic context (GRCh38, chr20:2,660,261, plus strand): 5'-AGTAAATTCCACTCCCCACCCTCCTCCTCCGCCCCATGAGTAGAGATGTGGGGAGGCCTC[A>C]CCTGCATGCAGCAGTTGTCTATGATCATTGTCTCAAATTTGATTTTGGGGTACAGTTCAG-3'

ClinVar aggregate classification (germline): Likely pathogenic (1 of 4 stars; one submission).

Allele frequency attached by ClinVar (database versions not stated): gnomAD 0.00001; gnomAD exomes 0.00001; TOPMed 0.00001.
gnomAD v4.1: 11 of 1,613,966 alleles (0.00068%); highest among the groups gnomAD compares: Non-Finnish European, 0.00093%; no homozygotes.

Submission:

Labcorp Genetics (formerly Invitae), Labcorp
Classification: Likely pathogenic. Last evaluated: 2024-03-11. Review status: criteria provided, single submitter. Criteria: Invitae Variant Classification Sherloc (09022015). Collection method: clinical testing. Allele origin: germline.
Comment: This sequence change affects a donor splice site in intron 8 of the IDH3B gene. It is expected to disrupt RNA splicing. Variants that disrupt the donor or acceptor splice site typically lead to a loss of protein function (PMID: 16199547), and loss-of-function variants in IDH3B are known to be pathogenic (PMID: 18806796). This variant is not present in population databases (gnomAD no frequency). This variant has not been reported in the literature in individuals affected with IDH3B-related conditions. ClinVar contains an entry for this variant (Variation ID: 1512058). Algorithms developed to predict the effect of sequence changes on RNA splicing suggest that this variant may disrupt the consensus splice site. In summary, the currently available evidence indicates that the variant is pathogenic, but additional data are needed to prove that conclusively. Therefore, this variant has been classified as Likely Pathogenic.

Literature cited by the submitters: PubMed 16199547; PubMed 18806796.